The following is an entry in ClinVar:

NM_001098426.2(SMARCD2):c.574C>T (p.Arg192Ter)

Gene: SMARCD2 (SWI/SNF related BAF chromatin remodeling complex subunit D2; minus strand). Cytogenetic location: 17q23.3.
Variant type: single nucleotide variant.
Coding change: c.574C>T on transcript NM_001098426.2 (MANE Select); coding-DNA position 574, C replaced by T.
Protein change: p.Arg192Ter; replaces arginine 192 with a stop codon.
Molecular consequence: nonsense.
Genome position (GRCh38, 1-based): chr17:63,835,561, G>A on the plus strand (C>T on the coding strand, the complement: SMARCD2 is on the minus strand). VCF-style: chr17-63835561-G-A. GRCh37 (hg19) VCF-style: chr17-61912921-G-A.
Other names: c.349C>T, p.Arg117Ter (NM_001330439.1); c.430C>T, p.Arg144Ter (NM_001330440.2); c.574C>T (NM_001098426.1); short protein forms R117*, R144*, R192*.
Identifiers: ClinVar variation 996004 (VCV000996004.7), dbSNP rs758123382, ClinGen allele CA8706436.

ClinVar aggregate classification (germline): Pathogenic/Likely pathogenic. Review status: criteria provided, multiple submitters, no conflicts (2 of 4 stars). 3 submissions from 3 submitters: Pathogenic (1); Likely pathogenic (1). 1 of the submissions does not count toward it. Last evaluated 2022-12-30.

Conditions:
Specific granule deficiency 2 (SGD2). Identifiers: MedGen C4479548, MONDO:0044208, OMIM 617475.
SMARCD2-related disorder. Also called: SMARCD2-related condition.

Allele frequency attached by ClinVar (database versions not stated): gnomAD exomes below 0.00001; ExAC 0.00001.

Submissions (3):

PreventionGenetics, part of Exact Sciences
Classification: Likely pathogenic for SMARCD2-related condition. Last evaluated: 2022-12-30. Review status: criteria provided, single submitter. Criteria: ACMG Guidelines, 2015. Collection method: clinical testing. Allele origin: germline.
Comment: The SMARCD2 c.574C>T variant is predicted to result in premature protein termination (p.Arg192*). To our knowledge, this variant has not been reported in the literature. This variant is reported in 0.0033% of alleles in individuals of South Asian descent in gnomAD. Nonsense variants in SMARCD2 are expected to be pathogenic. This variant is interpreted as likely pathogenic.

Labcorp Genetics (formerly Invitae), Labcorp
Classification: Pathogenic. Last evaluated: 2022-08-16. Review status: criteria provided, single submitter. Criteria: Invitae Variant Classification Sherloc (09022015). Collection method: clinical testing. Allele origin: germline.
Comment: For these reasons, this variant has been classified as Pathogenic. ClinVar contains an entry for this variant (Variation ID: 996004). This variant has not been reported in the literature in individuals affected with SMARCD2-related conditions. This variant is present in population databases (rs758123382, gnomAD 0.003%). This sequence change creates a premature translational stop signal (p.Arg192*) in the SMARCD2 gene. It is expected to result in an absent or disrupted protein product. Loss-of-function variants in SMARCD2 are known to be pathogenic (PMID: 28369036).

Allergy Immunology Laboratory, Postgraduate Institute of Medical Education and Research, Chandigarh
Classification: Likely pathogenic for Specific granule deficiency 2. Last evaluated: 2021-01-18. Review status: no assertion criteria provided. Collection method: clinical testing. Allele origin: germline. Inheritance: Autosomal recessive inheritance. Affected: yes. Observed: 1 variant allele, 1 homozygote. Not counted in ClinVar's aggregate classification.

Literature cited by the submitters: PubMed 28369036 (cited by Labcorp Genetics (formerly Invitae), Labcorp).